The following is an entry in ClinVar:

ClinVar aggregate classification (germline): Uncertain significance (1 of 4 stars; one submission).

Submission:

Labcorp Genetics (formerly Invitae), Labcorp
Classification: Uncertain significance. Last evaluated: 2021-12-14. Review status: criteria provided, single submitter. Criteria: Invitae Variant Classification Sherloc (09022015). Collection method: clinical testing. Allele origin: germline.
Comment: This variant is not present in population databases (gnomAD no frequency). This variant has not been reported in the literature in individuals affected with DCHS1-related conditions. Advanced modeling of protein sequence and biophysical properties (such as structural, functional, and spatial information, amino acid conservation, physicochemical variation, residue mobility, and thermodynamic stability) performed at Invitae indicates that this missense variant is not expected to disrupt DCHS1 protein function. In summary, the available evidence is currently insufficient to determine the role of this variant in disease. Therefore, it has been classified as a Variant of Uncertain Significance. This sequence change replaces arginine, which is basic and polar, with leucine, which is neutral and non-polar, at codon 192 of the DCHS1 protein (p.Arg192Leu).

NM_003737.4(DCHS1):c.575G>T (p.Arg192Leu)

Gene: DCHS1 (dachsous cadherin-related 1; minus strand). Cytogenetic location: 11p15.4.
Variant type: single nucleotide variant.
Coding change: c.575G>T on transcript NM_003737.4 (MANE Select); coding-DNA position 575, G replaced by T.
Protein change: p.Arg192Leu; replaces arginine 192 with leucine.
Molecular consequence: missense variant.
Genome position (GRCh38, 1-based): chr11:6,641,039, C>A on the plus strand (G>T on the coding strand, the complement: DCHS1 is on the minus strand). VCF-style: chr11-6641039-C-A. GRCh37 (hg19) VCF-style: chr11-6662270-C-A.
Other names: short protein forms R192L.
Identifiers: ClinVar variation 2042504 (VCV002042504.4), dbSNP rs556920474, ClinGen allele CA379441840.